The following is an entry in ClinVar:

ClinVar aggregate classification (germline): Uncertain significance (1 of 4 stars; one submission).

Conditions:
Werner syndrome (WRN). Identifiers: Orphanet 902, MedGen C0043119, MONDO:0010196, OMIM 277700.

Submission:

Labcorp Genetics (formerly Invitae), Labcorp
Classification: Uncertain significance for Werner syndrome. Last evaluated: 2022-03-23. Review status: criteria provided, single submitter. Criteria: Invitae Variant Classification Sherloc (09022015). Collection method: clinical testing. Allele origin: germline.
Comment: In summary, the available evidence is currently insufficient to determine the role of this variant in disease. Therefore, it has been classified as a Variant of Uncertain Significance. Algorithms developed to predict the effect of missense changes on protein structure and function output the following: SIFT: "Not Available"; PolyPhen-2: "Benign"; Align-GVGD: "Not Available". The valine amino acid residue is found in multiple mammalian species, which suggests that this missense change does not adversely affect protein function. This variant has not been reported in the literature in individuals affected with WRN-related conditions. This variant is not present in population databases (gnomAD no frequency). This sequence change replaces leucine, which is neutral and non-polar, with valine, which is neutral and non-polar, at codon 1246 of the WRN protein (p.Leu1246Val).

NM_000553.6(WRN):c.3736C>G (p.Leu1246Val)

Gene: WRN (WRN RecQ like helicase; plus strand). Cytogenetic location: 8p12.
Variant type: single nucleotide variant.
Coding change: c.3736C>G on transcript NM_000553.6 (MANE Select); coding-DNA position 3736, C replaced by G.
Protein change: p.Leu1246Val; replaces leucine 1246 with valine.
Molecular consequence: missense variant.
Genome position (GRCh38, 1-based): chr8:31,154,672, C>G. VCF-style: chr8-31154672-C-G. GRCh37 (hg19) VCF-style: chr8-31012188-C-G.
Other names: short protein forms L1246V.
Identifiers: ClinVar variation 2115915 (VCV002115915.4), dbSNP rs2130470118, ClinGen allele CA370929006.
Genomic context (GRCh38, chr8:31,154,672, plus strand): 5'-AAAATTCTGTAGACAGACCTCTTTTCAAGTACAAAACCTCAAGAAGAACAGAAGACGAGT[C>G]TGGTAGCAAAAAATAAAATATGCACACTTTCACAGTCTATGGCCATCACATACTCTTTAT-3'
Protein context (NP_000544.2, residues 1236-1256): TKPQEEQKTS[Leu1246Val]VAKNKICTLS